The following is an entry in ClinVar:

NM_001031710.3(KLHL7):c.472T>C (p.Cys158Arg)

Gene: KLHL7 (kelch like family member 7; plus strand). Cytogenetic location: 7p15.3.
Variant type: single nucleotide variant.
Coding change: c.472T>C on transcript NM_001031710.3 (MANE Select); coding-DNA position 472, T replaced by C.
Protein change: p.Cys158Arg; replaces cysteine 158 with arginine.
Molecular consequence: missense variant. On other transcripts: non-coding transcript variant (1).
Genome position (GRCh38, 1-based): chr7:23,140,798, T>C. VCF-style: chr7-23140798-T-C. GRCh37 (hg19) VCF-style: chr7-23180417-T-C.
Other names: c.328T>C, p.Cys110Arg (NM_018846.5); short protein forms C110R, C158R.
Identifiers: ClinVar variation 867023 (VCV000867023.12), dbSNP rs1784156837, ClinGen allele CA366976001.

ClinVar aggregate classification (germline): Pathogenic/Likely pathogenic. Review status: criteria provided, multiple submitters, no conflicts (2 of 4 stars). 2 submissions from 2 submitters: Pathogenic (1); Likely pathogenic (1). Last evaluated 2024-05-22.

Conditions:
KLHL7-related disorder. Also called: KLHL7-related condition; KLHL7-related disorders.

Submissions (2):

Labcorp Genetics (formerly Invitae), Labcorp
Classification: Pathogenic. Last evaluated: 2024-05-22. Review status: criteria provided, single submitter. Criteria: Invitae Variant Classification Sherloc (09022015). Collection method: clinical testing. Allele origin: germline.
Comment: This sequence change replaces cysteine, which is neutral and slightly polar, with arginine, which is basic and polar, at codon 158 of the KLHL7 protein (p.Cys158Arg). This variant is not present in population databases (gnomAD no frequency). This missense change has been observed in individuals with clinical features of autosomal dominant KLHL7-related conditions (PMID: 31856884, 32037395; Invitae). It has also been observed to segregate with disease in related individuals. ClinVar contains an entry for this variant (Variation ID: 867023). An algorithm developed to predict the effect of missense changes on protein structure and function (PolyPhen-2) suggests that this variant is likely to be disruptive. For these reasons, this variant has been classified as Pathogenic.

Blueprint Genetics
Classification: Likely pathogenic for KLHL7-related disorders. Last evaluated: 2018-11-07. Review status: criteria provided, single submitter. Criteria: ACMG Guidelines, 2015. Collection method: clinical testing. Allele origin: germline. Affected: yes. Observed: 2 variant alleles.

Literature cited by the submitters: PubMed 31856884 (cited by Labcorp Genetics (formerly Invitae), Labcorp); PubMed 32037395 (cited by Labcorp Genetics (formerly Invitae), Labcorp).